The following is an entry in ClinVar:

ClinVar aggregate classification (germline): Likely pathogenic. Review status: criteria provided, multiple submitters, no conflicts (2 of 4 stars). 2 submissions from 2 submitters: Likely pathogenic (2). Last evaluated 2026-01-29.

Conditions:
ALPK3-related autosomal dominant hypertrophic cardiomyopathy.

Submissions (2):

GeneDx
Classification: Likely pathogenic. Last evaluated: 2026-01-29. Review status: criteria provided, single submitter. Criteria: GeneDx Variant Classification Process June 2021. Collection method: clinical testing. Allele origin: germline.
Comment: Frameshift variant predicted to result in protein truncation or nonsense mediated decay in a gene for which loss of function is a known mechanism of disease; Not observed at significant frequency in large population cohorts (gnomAD); This variant is associated with the following publications: (PMID: 32480058, 34263907)

Clinical Genetics Service, Universitary Hospital 12 de Octubre
Classification: Likely pathogenic for ALPK3-related autosomal dominant hypertrophic cardiomyopathy. Review status: criteria provided, single submitter. Criteria: ACMG Guidelines, 2015. Collection method: clinical testing. Allele origin: germline. Affected: yes.

NM_020778.5(ALPK3):c.2408dup (p.Pro804fs)

Gene: ALPK3 (alpha kinase 3; plus strand). Cytogenetic location: 15q25.3.
Variant type: Duplication.
Coding change: c.2408dup on transcript NM_020778.5 (MANE Select); coding-DNA position 2408, one base duplicated (A; older notation c.2408dupA).
Protein change: p.Pro804fs; shifts the reading frame from proline 804.
Molecular consequence: frameshift variant.
Genome position (GRCh38, 1-based): chr15:84,857,146, A duplicated. VCF-style (leftmost placement, unchanged base first): chr15-84857145-C-CA. GRCh37 (hg19) VCF-style: chr15-85400376-C-CA.
Other names: short protein forms P804fs.
Identifiers: ClinVar variation 4888051 (VCV004888051.2).
Genomic context (GRCh38, chr15:84,857,145, plus strand): 5'-TCCAGGAACCATGAGCAAACTGTGCTGGGTCCCCTGTCAGGGAACCTCATGCTCCCAGCA[C>CA]AGCCGCCCCATGAGGGGAGTGTGGAGCAGGTGGGAGGAGAGAGATGCCGAGGGCCACAGT-3'